The following is an entry in ClinVar:

NM_000135.4(FANCA):c.463T>G (p.Leu155Val)

Gene: FANCA (FA complementation group A; minus strand). Cytogenetic location: 16q24.3.
Variant type: single nucleotide variant.
Coding change: c.463T>G on transcript NM_000135.4 (MANE Select); coding-DNA position 463, T replaced by G.
Protein change: p.Leu155Val; replaces leucine 155 with valine.
Molecular consequence: missense variant. On other transcripts: intron variant (1).
Genome position (GRCh38, 1-based): chr16:89,810,766, A>C on the plus strand (T>G on the coding strand, the complement: FANCA is on the minus strand). VCF-style: chr16-89810766-A-C. GRCh37 (hg19) VCF-style: chr16-89877174-A-C.
Other names: c.463T>G, p.Leu155Val (NM_001018112.3, NM_001286167.3); c.426+163T>G (NM_001351830.2); short protein forms L155V.
Identifiers: ClinVar variation 3848251 (VCV003848251.1).

ClinVar aggregate classification (germline): Uncertain significance (1 of 4 stars; one submission).

Conditions:
Inborn genetic diseases. Identifiers: MedGen C0950123, MeSH D030342.

gnomAD v4.1: 1 of 1,613,778 alleles (0.000062%); highest among the groups gnomAD compares: South Asian, 0.0011%; no homozygotes.

Submission:

Ambry Genetics
Classification: Uncertain significance for Inborn genetic diseases. Last evaluated: 2025-02-20. Review status: criteria provided, single submitter. Criteria: Ambry Variant Classification Scheme 2023. Collection method: clinical testing. Allele origin: germline.
Comment: The p.L155V variant (also known as c.463T>G), located in coding exon 5 of the FANCA gene, results from a T to G substitution at nucleotide position 463. The leucine at codon 155 is replaced by valine, an amino acid with highly similar properties. This amino acid position is conserved. In addition, this alteration is predicted to be tolerated by in silico analysis. Based on the available evidence, the clinical significance of this variant remains unclear.